The following is an entry in ClinVar:

NM_152743.4(BRAT1):c.629C>T (p.Ala210Val)

Gene: BRAT1 (BRCA1 associated ATM activator 1; minus strand). Cytogenetic location: 7p22.3.
Variant type: single nucleotide variant.
Coding change: c.629C>T on transcript NM_152743.4 (MANE Select); coding-DNA position 629, C replaced by T.
Protein change: p.Ala210Val; replaces alanine 210 with valine.
Molecular consequence: missense variant. On other transcripts: non-coding transcript variant (1).
Genome position (GRCh38, 1-based): chr7:2,543,764, G>A on the plus strand (C>T on the coding strand, the complement: BRAT1 is on the minus strand). VCF-style: chr7-2543764-G-A. GRCh37 (hg19) VCF-style: chr7-2583398-G-A.
Other names: c.629C>T, p.Ala210Val (NM_001350626.2); c.104C>T, p.Ala35Val (NM_001350627.2); short protein forms A210V, A35V.
Identifiers: ClinVar variation 941097 (VCV000941097.9), dbSNP rs1436463419, ClinGen allele CA366632096.

ClinVar aggregate classification (germline): Uncertain significance (1 of 4 stars; one submission).

Conditions:
Neonatal-onset encephalopathy with rigidity and seizures. Also called: Lethal neonatal spasticity-epileptic encephalopathy syndrome. Identifiers: Orphanet 435845, MedGen C3281029, MONDO:0013784, OMIM 614498.

Allele frequency attached by ClinVar (database versions not stated): gnomAD exomes below 0.00001 and 0.00001.
gnomAD v4.1: 1 of 1,606,826 alleles (0.000062%); highest among the groups gnomAD compares: South Asian, 0.0011%; no homozygotes.

Submission:

Labcorp Genetics (formerly Invitae), Labcorp
Classification: Uncertain significance for Neonatal-onset encephalopathy with rigidity and seizures. Last evaluated: 2019-09-01. Review status: criteria provided, single submitter. Criteria: Invitae Variant Classification Sherloc (09022015). Collection method: clinical testing. Allele origin: germline.
Comment: In summary, the available evidence is currently insufficient to determine the role of this variant in disease. Therefore, it has been classified as a Variant of Uncertain Significance. Algorithms developed to predict the effect of missense changes on protein structure and function (SIFT, PolyPhen-2, Align-GVGD) all suggest that this variant is likely to be tolerated, but these predictions have not been confirmed by published functional studies and their clinical significance is uncertain. This variant has not been reported in the literature in individuals with BRAT1-related conditions. This variant is not present in population databases (ExAC no frequency). This sequence change replaces alanine with valine at codon 210 of the BRAT1 protein (p.Ala210Val). The alanine residue is moderately conserved and there is a small physicochemical difference between alanine and valine.